The following is an entry in ClinVar:

ClinVar aggregate classification (germline): Uncertain significance (1 of 4 stars; one submission).

Submission:

Labcorp Genetics (formerly Invitae), Labcorp
Classification: Uncertain significance. Last evaluated: 2025-09-13. Review status: criteria provided, single submitter. Criteria: Invitae Variant Classification Sherloc (09022015). Collection method: clinical testing. Allele origin: germline.
Comment: This sequence change replaces leucine, which is neutral and non-polar, with arginine, which is basic and polar, at codon 96 of the LZTR1 protein (p.Leu96Arg). This variant is not present in population databases (gnomAD no frequency). This missense change has been observed in individual(s) with central conducting lymphatic anomaly (PMID: 37264205). ClinVar contains an entry for this variant (Variation ID: 1389071). Invitae Evidence Modeling of protein sequence and biophysical properties (such as structural, functional, and spatial information, amino acid conservation, physicochemical variation, residue mobility, and thermodynamic stability) indicates that this missense variant is not expected to disrupt LZTR1 protein function with a negative predictive value of 80%. In summary, the available evidence is currently insufficient to determine the role of this variant in disease. Therefore, it has been classified as a Variant of Uncertain Significance.

Literature cited by the submitters: PubMed 37264205.

NM_006767.4(LZTR1):c.287T>G (p.Leu96Arg)

Gene: LZTR1 (leucine zipper like post translational regulator 1; plus strand). Cytogenetic location: 22q11.21.
Variant type: single nucleotide variant.
Coding change: c.287T>G on transcript NM_006767.4 (MANE Select); coding-DNA position 287, T replaced by G.
Protein change: p.Leu96Arg; replaces leucine 96 with arginine.
Molecular consequence: missense variant.
Genome position (GRCh38, 1-based): chr22:20,985,864, T>G. VCF-style: chr22-20985864-T-G. GRCh37 (hg19) VCF-style: chr22-21340153-T-G.
Other names: short protein forms L96R.
Identifiers: ClinVar variation 1389071 (VCV001389071.8), dbSNP rs2147959789, ClinGen allele CA410778837.